The following is an entry in ClinVar:

ClinVar aggregate classification (germline): Uncertain significance (1 of 4 stars; one submission).

Submission:

Dasa
Classification: Uncertain significance. Last evaluated: 2025-04-01. Review status: criteria provided, single submitter. Criteria: DASA Assertion Criteria. Collection method: clinical testing. Allele origin: germline.
Comment: NM_005379.4(MYO1A):c.1340_1347del (p.Arg447Profs*6) introduces a premature termination codon predicted to result in loss of normal protein function. Loss-of-function is an established mechanism of disease for this gene. The variant is present at low frequency in population datasets. Based on the available data, this variant is classified as variant of uncertain significance.

NM_005379.4(MYO1A):c.1340_1347del (p.Arg447fs)

Gene: MYO1A (myosin IA; minus strand). Cytogenetic location: 12q13.3.
Variant type: Deletion.
Coding change: c.1340_1347del on transcript NM_005379.4 (MANE Select); coding-DNA positions 1340 to 1347, 8 bases deleted (GAGGTATC; older notation c.1340_1347delGAGGTATC).
Protein change: p.Arg447fs; shifts the reading frame from arginine 447.
Molecular consequence: frameshift variant.
Genome position (GRCh38, 1-based): chr12:57,038,995-57,039,002, GATACCTC deleted on the plus strand (GAGGTATC on the coding strand, the reverse complement: MYO1A is on the minus strand); deleting any 8 consecutive bases within chr12:57,038,995-57,039,003 gives the same sequence; the c. name uses the placement nearest the transcript's 3' end. VCF-style (leftmost placement, unchanged base first): chr12-57038994-GGATACCTC-G. GRCh37 (hg19) VCF-style: chr12-57432778-GGATACCTC-G.
Other names: c.1340_1347del, p.Arg447fs (NM_001256041.2); short protein forms R447fs.
Identifiers: ClinVar variation 4851837 (VCV004851837.1).